The following is an entry in ClinVar:

NM_001415.4(EIF2S3):c.379G>A (p.Val127Ile)

Gene: EIF2S3 (eukaryotic translation initiation factor 2 subunit gamma; plus strand). Cytogenetic location: Xp22.11.
Variant type: single nucleotide variant.
Coding change: c.379G>A on transcript NM_001415.4 (MANE Select); coding-DNA position 379, G replaced by A.
Protein change: p.Val127Ile; replaces valine 127 with isoleucine.
Molecular consequence: missense variant.
Genome position (GRCh38, 1-based): chrX:24,057,750, G>A. VCF-style: chrX-24057750-G-A. GRCh37 (hg19) VCF-style: chrX-24075867-G-A.
Other names: short protein forms V127I.
Identifiers: ClinVar variation 1313321 (VCV001313321.2), dbSNP rs1930425886, ClinGen allele CA412594561.
Genomic context (GRCh38, chrX:24,057,750, plus strand): 5'-AGCAGTACACCTGACGAGTTTCCTACGGACATTCCAGGGACCAAAGGGAACTTCAAATTA[G>A]TCAGGTGACCTCTCTTTTGCTACAAACACTACACTTTATATTTTATTGTCTTCTGTTTTG-3'
Protein context (NP_001406.1, residues 117-137): IPGTKGNFKL[Val127Ile]RHVSFVDCPG

ClinVar aggregate classification (germline): Uncertain significance (1 of 4 stars; one submission).

Submission:

GeneDx
Classification: Uncertain significance. Last evaluated: 2020-10-16. Review status: criteria provided, single submitter. Criteria: GeneDx Variant Classification Process June 2021. Collection method: clinical testing. Allele origin: germline. Affected: yes.
Comment: Not observed in large population cohorts (Lek et al., 2016); In silico analysis supports that this missense variant does not alter protein structure/function; Has not been previously published as pathogenic or benign to our knowledge